The following is an entry in ClinVar:

NM_001365088.1(SLC12A6):c.137G>A (p.Ser46Asn)

Gene: SLC12A6 (solute carrier family 12 member 6; minus strand). Cytogenetic location: 15q14.
Variant type: single nucleotide variant.
Coding change: c.137G>A on transcript NM_001365088.1 (MANE Select); coding-DNA position 137, G replaced by A.
Protein change: p.Ser46Asn; replaces serine 46 with asparagine.
Molecular consequence: missense variant. On other transcripts: 5 prime UTR variant (2).
Genome position (GRCh38, 1-based): chr15:34,336,544, C>T on the plus strand (G>A on the coding strand, the complement: SLC12A6 is on the minus strand). VCF-style: chr15-34336544-C-T. GRCh37 (hg19) VCF-style: chr15-34628745-C-T.
Other names: c.-41G>A (NM_001042494.2, NM_001042495.2); c.110G>A, p.Ser37Asn (NM_001042496.2); c.137G>A, p.Ser46Asn (NM_001042497.2, NM_133647.2); short protein forms S46N, S37N.
Identifiers: ClinVar variation 2009647 (VCV002009647.4), dbSNP rs2510086080, ClinGen allele CA391621624.
Genomic context (GRCh38, chr15:34,336,544, plus strand): 5'-GCCCCAGACATCTCACTCATAGGCTCACTCCGGCTTGTTTCAGGCACGCTTTCCCGGGAG[C>T]TAAATCTTACTCGGGAACTAGATCGAGAGCTGAGGTCCGGACTGGTGTCTGACAAACCTG-3'
Protein context (NP_001352017.1, residues 36-56): SSRSSSRVRF[Ser46Asn]SRESVPETSR

ClinVar aggregate classification (germline): Uncertain significance (1 of 4 stars; one submission).

Submission:

Labcorp Genetics (formerly Invitae), Labcorp
Classification: Uncertain significance. Last evaluated: 2023-04-28. Review status: criteria provided, single submitter. Criteria: Invitae Variant Classification Sherloc (09022015). Collection method: clinical testing. Allele origin: germline.
Comment: This variant has not been reported in the literature in individuals affected with SLC12A6-related conditions. This variant is not present in population databases (gnomAD no frequency). This sequence change replaces serine, which is neutral and polar, with asparagine, which is neutral and polar, at codon 46 of the SLC12A6 protein (p.Ser46Asn). ClinVar contains an entry for this variant (Variation ID: 2009647). In summary, the available evidence is currently insufficient to determine the role of this variant in disease. Therefore, it has been classified as a Variant of Uncertain Significance. Advanced modeling of protein sequence and biophysical properties (such as structural, functional, and spatial information, amino acid conservation, physicochemical variation, residue mobility, and thermodynamic stability) performed at Invitae indicates that this missense variant is not expected to disrupt SLC12A6 protein function.